The following is an entry in ClinVar:

NM_000174.5(GP9):c.257C>T (p.Pro86Leu)

Gene: GP9 (glycoprotein IX platelet; plus strand). Cytogenetic location: 3q21.3.
Variant type: single nucleotide variant.
Coding change: c.257C>T on transcript NM_000174.5 (MANE Select); coding-DNA position 257, C replaced by T.
Protein change: p.Pro86Leu; replaces proline 86 with leucine.
Molecular consequence: missense variant.
Genome position (GRCh38, 1-based): chr3:129,061,996, C>T. VCF-style: chr3-129061996-C-T. GRCh37 (hg19) VCF-style: chr3-128780839-C-T.
Other names: short protein forms P86L.
Identifiers: ClinVar variation 3717491 (VCV003717491.2).

ClinVar aggregate classification (germline): Uncertain significance (1 of 4 stars; one submission).

Submission:

Labcorp Genetics (formerly Invitae), Labcorp
Classification: Uncertain significance. Last evaluated: 2024-07-12. Review status: criteria provided, single submitter. Criteria: Invitae Variant Classification Sherloc (09022015). Collection method: clinical testing. Allele origin: germline.
Comment: This sequence change replaces proline, which is neutral and non-polar, with leucine, which is neutral and non-polar, at codon 86 of the GP9 protein (p.Pro86Leu). This variant is not present in population databases (gnomAD no frequency). This variant has not been reported in the literature in individuals affected with GP9-related conditions. An algorithm developed to predict the effect of missense changes on protein structure and function (PolyPhen-2) suggests that this variant is likely to be disruptive. In summary, the available evidence is currently insufficient to determine the role of this variant in disease. Therefore, it has been classified as a Variant of Uncertain Significance.